The following is an entry in ClinVar:

ClinVar aggregate classification (germline): Uncertain significance. Review status: criteria provided, multiple submitters, no conflicts (2 of 4 stars). 3 submissions from 3 submitters: Uncertain significance (3). Last evaluated 2025-12-29.

Conditions:
Inborn genetic diseases. Identifiers: MedGen C0950123, MeSH D030342.
Hereditary antithrombin deficiency (AT3D). Also called: Antithrombin deficiency; Antithrombin III deficiency; Thrombophilia due to antithrombin III deficiency; Reduced antithrombin III activity. Identifiers: Orphanet 82, MedGen C0272375, MONDO:0013144, OMIM 613118, HP:0001976.

Allele frequency attached by ClinVar (database versions not stated): gnomAD 0.00001.
gnomAD v4.1: 13 of 1,613,658 alleles (0.00081%); highest among the groups gnomAD compares: South Asian, 0.0011%; no homozygotes.

Submissions (3):

Center for Genomic Medicine, Rigshospitalet, Copenhagen University Hospital
Classification: Uncertain significance. Last evaluated: 2025-12-29. Review status: criteria provided, single submitter. Criteria: ACMG Guidelines, 2015. Collection method: clinical testing. Allele origin: germline.

Ambry Genetics
Classification: Uncertain significance for Inborn genetic diseases. Last evaluated: 2025-09-09. Review status: criteria provided, single submitter. Criteria: Ambry Variant Classification Scheme 2023. Collection method: clinical testing. Allele origin: germline.

Labcorp Genetics (formerly Invitae), Labcorp
Classification: Uncertain significance for Hereditary antithrombin deficiency. Last evaluated: 2024-08-18. Review status: criteria provided, single submitter. Criteria: Invitae Variant Classification Sherloc (09022015). Collection method: clinical testing. Allele origin: germline.
Comment: This sequence change replaces arginine, which is basic and polar, with cysteine, which is neutral and slightly polar, at codon 354 of the SERPINC1 protein (p.Arg354Cys). This variant is present in population databases (no rsID available, gnomAD 0.007%). This variant has not been reported in the literature in individuals affected with SERPINC1-related conditions. ClinVar contains an entry for this variant (Variation ID: 571883). Invitae Evidence Modeling of protein sequence and biophysical properties (such as structural, functional, and spatial information, amino acid conservation, physicochemical variation, residue mobility, and thermodynamic stability) indicates that this missense variant is expected to disrupt SERPINC1 protein function with a positive predictive value of 80%. In summary, the available evidence is currently insufficient to determine the role of this variant in disease. Therefore, it has been classified as a Variant of Uncertain Significance.

NM_000488.4(SERPINC1):c.1060C>T (p.Arg354Cys)

Gene: SERPINC1 (serpin family C member 1; minus strand). Cytogenetic location: 1q25.1.
Variant type: single nucleotide variant.
Coding change: c.1060C>T on transcript NM_000488.4 (MANE Select); coding-DNA position 1060, C replaced by T.
Protein change: p.Arg354Cys; replaces arginine 354 with cysteine.
Molecular consequence: missense variant.
Genome position (GRCh38, 1-based): chr1:173,909,645, G>A on the plus strand (C>T on the coding strand, the complement: SERPINC1 is on the minus strand). VCF-style: chr1-173909645-G-A. GRCh37 (hg19) VCF-style: chr1-173878783-G-A.
Other names: c.916C>T, p.Arg306Cys (NM_001365052.2); c.1183C>T, p.Arg395Cys (NM_001386302.1); c.1141C>T, p.Arg381Cys (NM_001386303.1); c.1039C>T, p.Arg347Cys (NM_001386304.1); c.1003C>T, p.Arg335Cys (NM_001386305.1); c.844C>T, p.Arg282Cys (NM_001386306.1); short protein forms R354C, R306C, R282C, R335C, R347C, R381C, R395C.
Identifiers: ClinVar variation 571883 (VCV000571883.7), dbSNP rs765761813, ClinGen allele CA343773662.